The following is an entry in ClinVar:

NM_001184880.2(PCDH19):c.707C>G (p.Pro236Arg)

Gene: PCDH19 (protocadherin 19; minus strand). Cytogenetic location: Xq22.1.
Variant type: single nucleotide variant.
Coding change: c.707C>G on transcript NM_001184880.2 (MANE Select); coding-DNA position 707, C replaced by G.
Protein change: p.Pro236Arg; replaces proline 236 with arginine.
Molecular consequence: missense variant.
Genome position (GRCh38, 1-based): chrX:100,407,891, G>C on the plus strand (C>G on the coding strand, the complement: PCDH19 is on the minus strand). VCF-style: chrX-100407891-G-C. GRCh37 (hg19) VCF-style: chrX-99662889-G-C.
Other names: c.707C>G, p.Pro236Arg (NM_001105243.2, NM_020766.3); short protein forms P236R.
Identifiers: ClinVar variation 408904 (VCV000408904.13), dbSNP rs1060502176, ClinGen allele CA16616407.

ClinVar aggregate classification (germline): Pathogenic/Likely pathogenic. Review status: criteria provided, multiple submitters, no conflicts (2 of 4 stars). 3 submissions from 3 submitters: Pathogenic (1); Likely pathogenic (2). Last evaluated 2022-09-17.

Conditions:
PCDH19-related disorder. Also called: PCDH19-related condition.
Developmental and epileptic encephalopathy, 9 (DEE9). Also called: JUBERG-HELLMAN SYNDROME; Early infantile epileptic encephalopathy 9; PCDH19-Related X-Linked Female-Limited Epilepsy with Mental Retardation; EPILEPSY, FEMALE-RESTRICTED, WITH MENTAL RETARDATION. Identifiers: Orphanet 101039, Orphanet 2076, MedGen C1848137, MONDO:0010246, OMIM 300088. Disease mechanism: loss of function.

Submissions (3):

Labcorp Genetics (formerly Invitae), Labcorp
Classification: Pathogenic for Developmental and epileptic encephalopathy, 9. Last evaluated: 2022-09-17. Review status: criteria provided, single submitter. Criteria: Invitae Variant Classification Sherloc (09022015). Collection method: clinical testing. Allele origin: germline.
Comment: This sequence change replaces proline, which is neutral and non-polar, with arginine, which is basic and polar, at codon 236 of the PCDH19 protein (p.Pro236Arg). This variant is not present in population databases (gnomAD no frequency). For these reasons, this variant has been classified as Pathogenic. This variant disrupts the p.Pro236 amino acid residue in PCDH19. Other variant(s) that disrupt this residue have been observed in individuals with PCDH19-related conditions (PMID: 21480887, 26993267), which suggests that this may be a clinically significant amino acid residue. Advanced modeling of protein sequence and biophysical properties (such as structural, functional, and spatial information, amino acid conservation, physicochemical variation, residue mobility, and thermodynamic stability) performed at Invitae indicates that this missense variant is expected to disrupt PCDH19 protein function. ClinVar contains an entry for this variant (Variation ID: 408904). This missense change has been observed in individual(s) with clinical features of early infantile epileptic encephalopathy (PMID: 31487502; Invitae). In at least one individual the variant was observed to be de novo.

Blueprint Genetics
Classification: Likely pathogenic for PCDH19-related disorders. Last evaluated: 2021-11-01. Review status: criteria provided, single submitter. Criteria: ACMG Guidelines, 2015. Collection method: clinical testing. Allele origin: germline. Affected: yes. Observed: 1 variant allele.

GeneDx
Classification: Likely pathogenic. Last evaluated: 2016-09-01. Review status: criteria provided, single submitter. Criteria: GeneDx Variant Classification (06012015). Collection method: clinical testing. Allele origin: germline. Affected: yes.
Comment: The P236R variant has not been published as a pathogenic variant, nor has it been reported as a benign variant to our knowledge. It was not observed in approximately 6,400 individuals of European and African American ancestry in the NHLBI Exome Sequencing Project, indicating it is not a common benign variant in these populations. The P236R variant is a non-conservative amino acid substitution, which is likely to impact secondary protein structure as these residues differ in polarity, charge, size, and/or other properties. This substitution occurs at a position that is conserved across species, and in silico analysis predicts this variant is probably damaging to the protein structure/function. Two different missense variants in the same codon (P236S, P236L) as well as missense variants in nearby residues (N232S, N234S) have been reported in the Human Gene Mutation Database in association with PCDH19-related disorders (Stenson et al., 2014), supporting the functional importance of this region of the protein. Therefore, we now interpret P236R as a likely pathogenic variant; however, the possibility that it is benign cannot be excluded.

Literature cited by the submitters: PubMed 21480887 (cited by Labcorp Genetics (formerly Invitae), Labcorp); PubMed 26993267 (cited by Labcorp Genetics (formerly Invitae), Labcorp); PubMed 31487502 (cited by Labcorp Genetics (formerly Invitae), Labcorp).